The following is an entry in ClinVar:

ClinVar aggregate classification (germline): Conflicting classifications of pathogenicity. Review status: criteria provided, conflicting classifications (1 of 4 stars). 3 submissions from 3 submitters: Uncertain significance (2); Likely benign (1). Last evaluated 2025-12-21.

Conditions:
MYH14-related disorder. Also called: MYH14-related condition.

Allele frequency attached by ClinVar (database versions not stated): ExAC 0.00003; gnomAD 0.00008; TOPMed 0.00010.
gnomAD v4.1: 34 of 1,612,556 alleles (0.0021%); highest among the groups gnomAD compares: African/African-American, 0.037%; no homozygotes.

Submissions (3):

Labcorp Genetics (formerly Invitae), Labcorp
Classification: Uncertain significance. Last evaluated: 2025-12-21. Review status: criteria provided, single submitter. Criteria: Invitae Variant Classification Sherloc (09022015). Collection method: clinical testing. Allele origin: germline.
Comment: This sequence change affects codon 1668 of the MYH14 mRNA. It is a 'silent' change, meaning that it does not change the encoded amino acid sequence of the MYH14 protein. This variant also falls at the last nucleotide of exon 34, which is part of the consensus splice site for this exon. This variant is present in population databases (rs376021137, gnomAD 0.04%). This variant has not been reported in the literature in individuals affected with MYH14-related conditions. ClinVar contains an entry for this variant (Variation ID: 2176254). Variants that disrupt the consensus splice site are a relatively common cause of aberrant splicing (PMID: 17576681, 9536098). Algorithms developed to predict the effect of sequence changes on RNA splicing suggest that this variant is not likely to affect RNA splicing. In summary, the available evidence is currently insufficient to determine the role of this variant in disease. Therefore, it has been classified as a Variant of Uncertain Significance.

GeneDx
Classification: Uncertain significance. Last evaluated: 2025-04-29. Review status: criteria provided, single submitter. Criteria: GeneDx Variant Classification Process June 2021. Collection method: clinical testing. Allele origin: germline.
Comment: Has not been previously published as pathogenic or benign to our knowledge; In silico analysis indicates that this variant does not alter splicing

PreventionGenetics, part of Exact Sciences
Classification: Likely benign for MYH14-related condition. Last evaluated: 2024-12-23. Review status: criteria provided, single submitter. Criteria: ACMG Guidelines, 2015. Collection method: clinical testing. Allele origin: germline.
Comment: This variant is classified as likely benign based on ACMG/AMP sequence variant interpretation guidelines (Richards et al. 2015 PMID: 25741868, with internal and published modifications).

Literature cited by the submitters: PubMed 17576681 (cited by Labcorp Genetics (formerly Invitae), Labcorp); PubMed 9536098 (cited by Labcorp Genetics (formerly Invitae), Labcorp).

NM_001145809.2(MYH14):c.5127G>A (p.Gln1709=)

Gene: MYH14 (myosin heavy chain 14; plus strand). Cytogenetic location: 19q13.33.
Variant type: single nucleotide variant.
Coding change: c.5127G>A on transcript NM_001145809.2 (MANE Select); coding-DNA position 5127, G replaced by A.
Protein change: p.Gln1709=; no amino-acid change (glutamine 1709 retained).
Molecular consequence: synonymous variant.
Genome position (GRCh38, 1-based): chr19:50,291,048, G>A. VCF-style: chr19-50291048-G-A. GRCh37 (hg19) VCF-style: chr19-50794305-G-A.
Other names: c.5028G>A, p.Gln1676= (NM_001077186.2); c.5004G>A, p.Gln1668= (NM_024729.4); c.5004G>A (NM_024729.3); c.5127G>A (NM_001145809.1).
Identifiers: ClinVar variation 2176254 (VCV002176254.7), dbSNP rs376021137, ClinGen allele CA9593683.